The following is an entry in ClinVar:

NM_002875.5(RAD51):c.249A>G (p.Pro83=)

Gene: RAD51 (RAD51 recombinase; plus strand). Cytogenetic location: 15q15.1.
Variant type: single nucleotide variant.
Coding change: c.249A>G on transcript NM_002875.5 (MANE Select); coding-DNA position 249, A replaced by G.
Protein change: p.Pro83=; no amino-acid change (proline 83 retained).
Molecular consequence: synonymous variant. On other transcripts: intron variant (2).
Genome position (GRCh38, 1-based): chr15:40,706,200, A>G. VCF-style: chr15-40706200-A-G. GRCh37 (hg19) VCF-style: chr15-40998398-A-G.
Other names: c.249A>G (NM_002875.4); c.249A>G, p.Pro83= (NM_001164270.2); c.347-2825A>G (NM_133487.4, NM_001164269.2).
Identifiers: ClinVar variation 3257475 (VCV003257475.18).
Genomic context (GRCh38, chr15:40,706,200, plus strand): 5'-ATTATTTTGTTGATTTAATATTTCTTATTTTTCCCAGGCTGAGGCAGCTAAATTAGTTCC[A>G]ATGGGTTTCACCACTGCAACTGAATTCCACCAAAGGCGGTCAGAGATCATACAGATTACT-3'
Protein context (NP_002866.2, residues 73-93): KILAEAAKLV[Pro83=]MGFTTATEFH

ClinVar aggregate classification (germline): Likely benign. Review status: criteria provided, multiple submitters, no conflicts (2 of 4 stars). 2 submissions from 2 submitters: Likely benign (2). Last evaluated 2024-10-28.

Conditions:
Inborn genetic diseases. Identifiers: MedGen C0950123, MeSH D030342.

gnomAD v4.1: 1 of 1,614,056 alleles (0.000062%); highest among the groups gnomAD compares: Non-Finnish European, 0.000085%; no homozygotes.

Submissions (2):

Ambry Genetics
Classification: Likely benign for Inborn genetic diseases. Last evaluated: 2024-10-28. Review status: criteria provided, single submitter. Criteria: Ambry Variant Classification Scheme 2023. Collection method: clinical testing. Allele origin: germline.

CeGaT Center for Human Genetics Tuebingen
Classification: Likely benign. Last evaluated: 2024-07-01. Review status: criteria provided, single submitter. Criteria: CeGaT Center For Human Genetics Tuebingen Variant Classification Criteria Version 2. Collection method: clinical testing. Allele origin: germline. Affected: yes. Observed: 1 variant allele.
Comment: RAD51: PM2:Supporting, BP4, BP7